The following is an entry in ClinVar:

ClinVar aggregate classification (germline): Uncertain significance. Review status: criteria provided, multiple submitters, no conflicts (2 of 4 stars). 3 submissions from 3 submitters: Uncertain significance (3). Last evaluated 2023-02-14.

Conditions:
Inborn genetic diseases. Identifiers: MedGen C0950123, MeSH D030342.
Chédiak-Higashi syndrome (CHS). Also called: Chediak-Higashi Syndrome. Identifiers: Orphanet 167, MedGen C0007965, MONDO:0008963, OMIM 214500.

Allele frequency attached by ClinVar (database versions not stated): TOPMed below 0.00001; ExAC 0.00002; gnomAD exomes 0.00002.
gnomAD v4.1: 28 of 1,613,916 alleles (0.0017%); highest among the groups gnomAD compares: Non-Finnish European, 0.0023%; no homozygotes.

Submissions (3):

Ambry Genetics
Classification: Uncertain significance for Inborn genetic diseases. Last evaluated: 2023-02-14. Review status: criteria provided, single submitter. Criteria: Ambry Variant Classification Scheme 2023. Collection method: clinical testing. Allele origin: germline.

Labcorp Genetics (formerly Invitae), Labcorp
Classification: Uncertain significance for Chédiak-Higashi syndrome. Last evaluated: 2021-09-24. Review status: criteria provided, single submitter. Criteria: Invitae Variant Classification Sherloc (09022015). Collection method: clinical testing. Allele origin: germline.
Comment: This sequence change replaces tyrosine with cysteine at codon 982 of the LYST protein (p.Tyr982Cys). The tyrosine residue is weakly conserved and there is a large physicochemical difference between tyrosine and cysteine. This variant is present in population databases (rs752179440, ExAC 0.003%). This variant has not been reported in the literature in individuals with LYST-related conditions. ClinVar contains an entry for this variant (Variation ID: 296411). Algorithms developed to predict the effect of missense changes on protein structure and function output the following: SIFT: "Tolerated"; PolyPhen-2: "Benign"; Align-GVGD: "Class C0". The cysteine amino acid residue is found in multiple mammalian species, suggesting that this missense change does not adversely affect protein function. These predictions have not been confirmed by published functional studies and their clinical significance is uncertain. In summary, the available evidence is currently insufficient to determine the role of this variant in disease. Therefore, it has been classified as a Variant of Uncertain Significance.

Illumina Laboratory Services, Illumina
Classification: Uncertain significance for Chédiak-Higashi syndrome. Last evaluated: 2018-01-12. Review status: criteria provided, single submitter. Criteria: ICSL Variant Classification Criteria 13 December 2019. Collection method: clinical testing. Allele origin: germline.

NM_000081.4(LYST):c.2945A>G (p.Tyr982Cys)

Gene: LYST (lysosomal trafficking regulator; minus strand). Cytogenetic location: 1q42.3.
Variant type: single nucleotide variant.
Coding change: c.2945A>G on transcript NM_000081.4 (MANE Select); coding-DNA position 2945, A replaced by G.
Protein change: p.Tyr982Cys; replaces tyrosine 982 with cysteine.
Molecular consequence: missense variant.
Genome position (GRCh38, 1-based): chr1:235,806,191, T>C on the plus strand (A>G on the coding strand, the complement: LYST is on the minus strand). VCF-style: chr1-235806191-T-C. GRCh37 (hg19) VCF-style: chr1-235969491-T-C.
Other names: c.2945A>G, p.Tyr982Cys (NM_001301365.1); c.2945A>G (NM_000081.2); short protein forms Y982C.
Identifiers: ClinVar variation 296411 (VCV000296411.11), dbSNP rs752179440, ClinGen allele CA1467176.